The following is an entry in ClinVar:

NM_205836.3(FBXO38):c.3078C>T (p.His1026=)

Gene: FBXO38 (F-box protein 38; plus strand). Cytogenetic location: 5q32.
Variant type: single nucleotide variant.
Coding change: c.3078C>T on transcript NM_205836.3 (MANE Select); coding-DNA position 3078, C replaced by T.
Protein change: p.His1026=; no amino-acid change (histidine 1026 retained).
Molecular consequence: synonymous variant.
Genome position (GRCh38, 1-based): chr5:148,439,700, C>T. VCF-style: chr5-148439700-C-T. GRCh37 (hg19) VCF-style: chr5-147819263-C-T.
Other names: p.His951=; c.2343C>T, p.His781= (NM_001271723.2); c.2853C>T, p.His951= (NM_030793.5).
Identifiers: ClinVar variation 546984 (VCV000546984.54), dbSNP rs370895783, ClinGen allele CA3497666.
Genomic context (GRCh38, chr5:148,439,700, plus strand): 5'-TCCACAGGTGGACACTCTAACTTTGGAGCAGAAGCTATTTAGTGGTCCCTACCCCTATCA[C>T]ATCTGTATTATCCATGAATTCAGTAACCCTCCCAATGTCCGGAATAAGGTGCGCATTCGC-3'
Protein context (NP_995308.1, residues 1016-1036): QKLFSGPYPY[His1026=]ICIIHEFSNP

ClinVar aggregate classification (germline): Likely benign. Review status: criteria provided, multiple submitters, no conflicts (2 of 4 stars). 4 submissions from 4 submitters: Likely benign (4). Last evaluated 2025-03-03.

Conditions:
Distal hereditary motor neuropathy type 2. Identifiers: Orphanet 139525, MedGen C3711384, MeSH C580044, MONDO:0015352.

Allele frequency attached by ClinVar (database versions not stated): ExAC 0.00003; gnomAD exomes 0.00004; TOPMed 0.00004; gnomAD 0.00006; ESP Exome Variant Server 0.00008.
gnomAD v4.1: 67 of 1,613,926 alleles (0.0042%); highest among the groups gnomAD compares: Non-Finnish European, 0.0051%; no homozygotes.

Submissions (4):

Mayo Clinic Laboratories, Mayo Clinic
Classification: Likely benign. Last evaluated: 2025-03-03. Review status: criteria provided, single submitter. Criteria: ACMG Guidelines, 2015. Collection method: clinical testing. Allele origin: germline. Observed: 1 variant allele.
Comment: BP4, BP7

Labcorp Genetics (formerly Invitae), Labcorp
Classification: Likely benign for Distal hereditary motor neuropathy type 2. Last evaluated: 2025-02-12. Review status: criteria provided, single submitter. Criteria: Invitae Variant Classification Sherloc (09022015). Collection method: clinical testing. Allele origin: germline.

Blueprint Genetics
Classification: Likely benign. Last evaluated: 2022-08-15. Review status: criteria provided, single submitter. Criteria: ACMG Guidelines, 2015. Collection method: clinical testing. Allele origin: germline.

CeGaT Center for Human Genetics Tuebingen
Classification: Likely benign. Last evaluated: 2018-01-01. Review status: criteria provided, single submitter. Criteria: CeGaT Center For Human Genetics Tuebingen Variant Classification Criteria Version 2. Collection method: clinical testing. Allele origin: germline. Affected: yes. Observed: 1 variant allele.